The following is an entry in ClinVar:

NM_002547.3(OPHN1):c.1895C>T (p.Pro632Leu)

Gene: OPHN1 (oligophrenin 1; minus strand). Cytogenetic location: Xq12.
Variant type: single nucleotide variant.
Coding change: c.1895C>T on transcript NM_002547.3 (MANE Select); coding-DNA position 1895, C replaced by T.
Protein change: p.Pro632Leu; replaces proline 632 with leucine.
Molecular consequence: missense variant.
Genome position (GRCh38, 1-based): chrX:68,064,117, G>A on the plus strand (C>T on the coding strand, the complement: OPHN1 is on the minus strand). VCF-style: chrX-68064117-G-A. GRCh37 (hg19) VCF-style: chrX-67283959-G-A.
Other names: short protein forms P632L.
Identifiers: ClinVar variation 3618864 (VCV003618864.2).

ClinVar aggregate classification (germline): Uncertain significance (1 of 4 stars; one submission).

gnomAD v4.1: 1 of 1,210,488 alleles (0.000083%); highest among the groups gnomAD compares: African/African-American, 0.0017%; no homozygotes.

Submission:

Labcorp Genetics (formerly Invitae), Labcorp
Classification: Uncertain significance. Last evaluated: 2024-11-13. Review status: criteria provided, single submitter. Criteria: Invitae Variant Classification Sherloc (09022015). Collection method: clinical testing. Allele origin: germline.
Comment: This sequence change replaces proline, which is neutral and non-polar, with leucine, which is neutral and non-polar, at codon 632 of the OPHN1 protein (p.Pro632Leu). This variant is not present in population databases (gnomAD no frequency). This variant has not been reported in the literature in individuals affected with OPHN1-related conditions. An algorithm developed to predict the effect of missense changes on protein structure and function outputs the following: PolyPhen-2: "Benign". The leucine amino acid residue is found in multiple mammalian species, which suggests that this missense change does not adversely affect protein function. In summary, the available evidence is currently insufficient to determine the role of this variant in disease. Therefore, it has been classified as a Variant of Uncertain Significance.